The following is an entry in ClinVar:

ClinVar aggregate classification (germline): Conflicting classifications of pathogenicity. Review status: criteria provided, conflicting classifications (1 of 4 stars). 2 submissions from 2 submitters: Likely pathogenic (1); Uncertain significance (1). Last evaluated 2024-01-08.

Conditions:
Autosomal dominant Alport syndrome (ATS3A). Also called: ALPORT SYNDROME 3A, AUTOSOMAL DOMINANT; Alport syndrome dominant type; Renal failure and sensorineural hearing loss. Identifiers: Orphanet 63, Orphanet 88918, MedGen C5882663, MONDO:0007086, OMIM 104200.
Inborn genetic diseases. Identifiers: MedGen C0950123, MeSH D030342.

Submissions (2):

Ambry Genetics
Classification: Uncertain significance for Inborn genetic diseases. Last evaluated: 2024-01-08. Review status: criteria provided, single submitter. Criteria: Ambry Variant Classification Scheme 2023. Collection method: clinical testing. Allele origin: germline.

Precision Medicine Center, Zhengzhou University
Classification: Likely pathogenic for Autosomal dominant Alport syndrome. Review status: criteria provided, single submitter. Criteria: ACMG Guidelines, 2015. Collection method: research. Allele origin: germline. Affected: yes.
Comment: PM1:Located in a mutational hot spot PM2:not found in gnomAD PP2:Missense variant in a gene that has a low rate of benign missense variation and in which missense variants are a common mechanism of disease PP3:Multiple lines of computational evidence support a deleterious effect on the gene or gene product

NM_000091.5(COL4A3):c.2267G>A (p.Gly756Asp)

Genes: MFF-DT (MFF divergent transcript; minus strand), COL4A3 (collagen type IV alpha 3 chain; plus strand). Cytogenetic location: 2q36.3.
Variant type: single nucleotide variant.
Coding change: c.2267G>A on transcript NM_000091.5 (MANE Select); coding-DNA position 2267, G replaced by A.
Protein change: p.Gly756Asp; replaces glycine 756 with aspartic acid.
Molecular consequence: missense variant.
Genome position (GRCh38, 1-based): chr2:227,280,483, G>A. VCF-style: chr2-227280483-G-A. GRCh37 (hg19) VCF-style: chr2-228145199-G-A.
Other names: short protein forms G756D.
Identifiers: ClinVar variation 1077063 (VCV001077063.2), dbSNP rs1308023279, ClinGen allele CA350849047.
Genomic context (GRCh38, chr2:227,280,483, plus strand): 5'-CAATTTCTATGCTGTAGGGAGAACCAGCAGTAGCCATGCCTGGAGGACCAGGAACACCAG[G>A]TTTTCCAGGAGAAAGAGGCAATTCTGGGGAACATGGAGAAATTGGACTCCCTGGACTTCC-3'
Protein context (NP_000082.2, residues 746-766): VAMPGGPGTP[Gly756Asp]FPGERGNSGE